The following is an entry in ClinVar:

ClinVar aggregate classification (germline): Uncertain significance (1 of 4 stars; one submission).

Conditions:
Cardiovascular phenotype. Identifiers: MedGen CN230736.

Submission:

Ambry Genetics
Classification: Uncertain significance for Cardiovascular phenotype. Last evaluated: 2024-03-24. Review status: criteria provided, single submitter. Criteria: Ambry Variant Classification Scheme 2023. Collection method: clinical testing. Allele origin: germline.
Comment: The p.A1963G variant (also known as c.5888C>G), located in coding exon 26 of the APOB gene, results from a C to G substitution at nucleotide position 5888. The alanine at codon 1963 is replaced by glycine, an amino acid with similar properties. This amino acid position is conserved. In addition, this alteration is predicted to be tolerated by in silico analysis. Based on the available evidence, the clinical significance of this alteration remains unclear.

NM_000384.3(APOB):c.5888C>G (p.Ala1963Gly)

Gene: APOB (apolipoprotein B; minus strand). Cytogenetic location: 2p24.1.
Variant type: single nucleotide variant.
Coding change: c.5888C>G on transcript NM_000384.3 (MANE Select); coding-DNA position 5888, C replaced by G.
Protein change: p.Ala1963Gly; replaces alanine 1963 with glycine.
Molecular consequence: missense variant.
Genome position (GRCh38, 1-based): chr2:21,010,980, G>C on the plus strand (C>G on the coding strand, the complement: APOB is on the minus strand). VCF-style: chr2-21010980-G-C. GRCh37 (hg19) VCF-style: chr2-21233852-G-C.
Other names: short protein forms A1963G.
Identifiers: ClinVar variation 3307465 (VCV003307465.1).